The following is an entry in ClinVar:

ClinVar aggregate classification (germline): Uncertain significance. Review status: criteria provided, multiple submitters, no conflicts (2 of 4 stars). 2 submissions from 2 submitters: Uncertain significance (2). Last evaluated 2025-01-31.

Conditions:
Inborn genetic diseases. Identifiers: MedGen C0950123, MeSH D030342.

Allele frequency attached by ClinVar (database versions not stated): ExAC 0.00002; gnomAD exomes 0.00001; gnomAD 0.00003; TOPMed 0.00002.
gnomAD v4.1: 12 of 1,609,680 alleles (0.00075%); highest among the groups gnomAD compares: Non-Finnish European, 0.00093%; no homozygotes.

Submissions (2):

Ambry Genetics
Classification: Uncertain significance for Inborn genetic diseases. Last evaluated: 2025-01-31. Review status: criteria provided, single submitter. Criteria: Ambry Variant Classification Scheme 2023. Collection method: clinical testing. Allele origin: germline.

Labcorp Genetics (formerly Invitae), Labcorp
Classification: Uncertain significance. Last evaluated: 2024-10-17. Review status: criteria provided, single submitter. Criteria: Invitae Variant Classification Sherloc (09022015). Collection method: clinical testing. Allele origin: germline.
Comment: This sequence change replaces tyrosine, which is neutral and polar, with cysteine, which is neutral and slightly polar, at codon 662 of the PTPN23 protein (p.Tyr662Cys). This variant is present in population databases (rs762592142, gnomAD 0.003%). This variant has not been reported in the literature in individuals affected with PTPN23-related conditions. ClinVar contains an entry for this variant (Variation ID: 1484307). An algorithm developed to predict the effect of missense changes on protein structure and function outputs the following: PolyPhen-2: "Not Available". The cysteine amino acid residue is found in multiple mammalian species, which suggests that this missense change does not adversely affect protein function. In summary, the available evidence is currently insufficient to determine the role of this variant in disease. Therefore, it has been classified as a Variant of Uncertain Significance.

NM_015466.4(PTPN23):c.1985A>G (p.Tyr662Cys)

Gene: PTPN23 (protein tyrosine phosphatase non-receptor type 23; plus strand). Cytogenetic location: 3p21.31.
Variant type: single nucleotide variant.
Coding change: c.1985A>G on transcript NM_015466.4 (MANE Select); coding-DNA position 1985, A replaced by G.
Protein change: p.Tyr662Cys; replaces tyrosine 662 with cysteine.
Molecular consequence: missense variant.
Genome position (GRCh38, 1-based): chr3:47,409,690, A>G. VCF-style: chr3-47409690-A-G. GRCh37 (hg19) VCF-style: chr3-47451180-A-G.
Other names: c.1607A>G, p.Tyr536Cys (NM_001304482.2); c.1985A>G (NM_015466.2); short protein forms Y662C, Y536C.
Identifiers: ClinVar variation 1484307 (VCV001484307.7), dbSNP rs762592142, ClinGen allele CA2365884.
Genomic context (GRCh38, chr3:47,409,690, plus strand): 5'-TGGAGCTGGCCCTTCTGCCCACCAGGTGGAACTCCACGCTGCAGACCCTGGTGGCCTCGT[A>G]TGAAGCCTATGAGGACCTGATGAAGAAGTCGCAGGAGGGCAGGGACTTCTACGCAGATCT-3'
Protein context (NP_056281.1, residues 652-672): NSTLQTLVAS[Tyr662Cys]EAYEDLMKKS